The following is an entry in ClinVar:

NM_000329.3(RPE65):c.565G>A (p.Val189Ile)

Gene: RPE65 (retinoid isomerohydrolase RPE65; minus strand). Cytogenetic location: 1p31.3.
Variant type: single nucleotide variant.
Coding change: c.565G>A on transcript NM_000329.3 (MANE Select); coding-DNA position 565, G replaced by A.
Protein change: p.Val189Ile; replaces valine 189 with isoleucine.
Molecular consequence: missense variant.
Genome position (GRCh38, 1-based): chr1:68,440,931, C>T on the plus strand (G>A on the coding strand, the complement: RPE65 is on the minus strand). VCF-style: chr1-68440931-C-T. GRCh37 (hg19) VCF-style: chr1-68906614-C-T.
Other names: NM_000329.3(RPE65):c.565G>A; p.Val189Ile; short protein forms V189I.
Identifiers: ClinVar variation 876133 (VCV000876133.14), dbSNP rs752990312, ClinGen allele CA902465.
Genomic context (GRCh38, chr1:68,440,931, plus strand): 5'-TCTTTACAATGTTGTAGGCAATTGAAAAATTTTTTCCAAAGCAATTACCAATATTGTAAA[C>T]GGTTCCATCATTTTCAATGTGGGGGTGAGCAGTGGCCCCATTGACAGAGACATAGTTGCA-3'
Protein context (NP_000320.1, residues 179-199): AHPHIENDGT[Val189Ile]YNIGNCFGKN

ClinVar aggregate classification (germline): Uncertain significance. Review status: reviewed by expert panel (3 of 4 stars). 9 submissions from 7 submitters: Uncertain significance (1). 8 of the submissions do not count toward it. Last evaluated 2026-08-20.

Conditions:
Retinal dystrophy. Also called: Inherited retinal dystrophy. Identifiers: Orphanet 71862, MedGen C0854723, MeSH D058499, MONDO:0019118, HP:0000556.
Retinitis pigmentosa (RP). Identifiers: Orphanet 791, MedGen C0035334, MeSH D012174, MONDO:0019200, OMIM 268000. Inheritance: Autosomal dominant, autosomal recessive and X linked inheritance.
Leber congenital amaurosis 2 (LCA2). Also called: AMAUROSIS CONGENITA OF LEBER II; Autosomal Recessive RPE65-Related Retinal Degeneration. Identifiers: Orphanet 65, MedGen C1859844, MONDO:0008765, OMIM 204100. Disease mechanism: loss of function.
Retinitis pigmentosa 20 (RP20). Identifiers: Orphanet 791, MedGen C3151086, MONDO:0013425, OMIM 613794.
RPE65-related recessive retinopathy. Also called: Recessive RPE65 retinopathy. Identifiers: MedGen CN305526, MONDO:0100368.
RPE65-related disorder. Also called: RPE65-related condition; RPE65-related disorders. Identifiers: MedGen CN239301.

Allele frequency attached by ClinVar (database versions not stated): gnomAD 0.00005; TOPMed 0.00006; gnomAD exomes 0.00008.
gnomAD v4.1: 133 of 1,613,804 alleles (0.0082%); highest among the groups gnomAD compares: Middle Eastern, 0.082%; 1 homozygote.

Submissions (9):

ClinGen Leber Congenital Amaurosis/early Onset Retinal Dystrophy Variant Curation Expert Panel, ClinGen
Classification: Uncertain significance for RPE65-related recessive retinopathy. Last evaluated: 2026-08-20. Review status: reviewed by expert panel. Criteria: ClinGen LCAeoRD ACMG Specifications RPE65 V1.0.0. Collection method: curation. Allele origin: germline. Inheritance: Autosomal recessive inheritance.
Comment: NM_000329.3(RPE65):c.565G>A (p.Val189Ile) is a missense variant causing substitution of valine with isoleucine at position p.189. This variant is present in gnomAD v.4.1.1 at a GrpMax allele frequency of 0.000323, with 5 alleles / 6084 total alleles in the Middle Eastern population, which is which is higher than the ClinGen LCA / eoRD VCEP PM2_Supporting threshold of <0.0002 and lower than the BS1 threshold of >0.0008 and fails to meet either criterion. This variant has been reported in at least 1 proband with a diagnosis of retinitis pigmentosa who harbored the variant in the heterozygous state (PMID: 18722466). However, PM3 was not met because no second variant was described. The computational predictor REVEL gives a score of 0.464, which is below the ClinGen LCA / eoRD VCEP threshold of ≥0.644 and does not predict a damaging effect on RPE65 function. Additionally, the splicing impact predictor SpliceAI gives a score of 0.02 for acceptor loss and donor loss, which is below the ClinGen LCA / eoRD VCEP recommended threshold of ≥0.2 and does not strongly predict an impact on splicing. In summary, this variant meets the criteria to be classified as a variant uncertain significance for RPE65-related recessive retinopathy based on the ACMG/AMP criteria applied, as specified by the ClinGen LCA / eoRD VCEP: none. (LCA/eoRD VCEP specifications version 1.0.0).

PreventionGenetics, part of Exact Sciences
Classification: Uncertain significance for RPE65-related condition. Last evaluated: 2025-06-20. Review status: criteria provided, single submitter. Criteria: ACMG Guidelines, 2015. Collection method: clinical testing. Allele origin: germline. Not counted in ClinVar's aggregate classification.
Comment: The RPE65 c.565G>A variant is predicted to result in the amino acid substitution p.Val189Ile. This variant was reported in an individual with retinal or optic nerve disease (Table S12, Diñeiro et al. 2020. PubMed ID: 32483926). This variant is reported in 0.020% of alleles in individuals of Latino descent in gnomAD. At this time, the clinical significance of this variant is uncertain due to the absence of conclusive functional and genetic evidence.

Labcorp Genetics (formerly Invitae), Labcorp
Classification: Uncertain significance for Leber congenital amaurosis 2; Retinitis pigmentosa 20. Last evaluated: 2024-11-11. Review status: criteria provided, single submitter. Criteria: Invitae Variant Classification Sherloc (09022015). Collection method: clinical testing. Allele origin: germline. Not counted in ClinVar's aggregate classification.
Comment: This sequence change replaces valine, which is neutral and non-polar, with isoleucine, which is neutral and non-polar, at codon 189 of the RPE65 protein (p.Val189Ile). The frequency data for this variant in the population databases is considered unreliable, as metrics indicate poor data quality at this position in the gnomAD database. This missense change has been observed in individual(s) with retinal disease (PMID: 18722466, 32483926; internal data). ClinVar contains an entry for this variant (Variation ID: 876133). Invitae Evidence Modeling of protein sequence and biophysical properties (such as structural, functional, and spatial information, amino acid conservation, physicochemical variation, residue mobility, and thermodynamic stability) indicates that this missense variant is not expected to disrupt RPE65 protein function with a negative predictive value of 80%. In summary, the available evidence is currently insufficient to determine the role of this variant in disease. Therefore, it has been classified as a Variant of Uncertain Significance.

Blueprint Genetics
Classification: Uncertain significance. Last evaluated: 2024-10-17. Review status: criteria provided, single submitter. Criteria: ACMG Guidelines, 2015. Collection method: clinical testing. Allele origin: germline. Not counted in ClinVar's aggregate classification.

Dept Of Ophthalmology, Nagoya University
Classification: Uncertain significance for Retinal dystrophy. Last evaluated: 2023-10-01. Review status: criteria provided, single submitter. Criteria: Submitter's publication. Collection method: research. Allele origin: germline. Affected: yes. Not counted in ClinVar's aggregate classification.

Genome-Nilou Lab
Classification: Uncertain significance for Retinitis pigmentosa 20. Last evaluated: 2021-07-22. Review status: criteria provided, single submitter. Criteria: ACMG Guidelines, 2015. Collection method: clinical testing. Allele origin: germline. Affected: no. Not counted in ClinVar's aggregate classification.

Genome-Nilou Lab
Classification: Uncertain significance for Leber congenital amaurosis 2. Last evaluated: 2021-07-22. Review status: criteria provided, single submitter. Criteria: ACMG Guidelines, 2015. Collection method: clinical testing. Allele origin: germline. Affected: no. Not counted in ClinVar's aggregate classification.

Illumina Laboratory Services, Illumina
Classification: Uncertain significance for Leber congenital amaurosis 2. Last evaluated: 2017-04-27. Review status: criteria provided, single submitter. Criteria: ICSL Variant Classification Criteria 13 December 2019. Collection method: clinical testing. Allele origin: germline. Not counted in ClinVar's aggregate classification.
Comment: This variant was observed as part of a predisposition screen in an ostensibly healthy population. A literature search was performed for the gene, cDNA change, and amino acid change (where applicable). Publications were found based on this search. However, the evidence from the literature, in combination with allele frequency data from public databases where available, was not sufficient to rule this variant in or out of causing disease. Therefore, this variant is classified as a variant of unknown significance.

Illumina Laboratory Services, Illumina
Classification: Uncertain significance for Retinitis pigmentosa. Last evaluated: 2017-04-27. Review status: criteria provided, single submitter. Criteria: ICSL Variant Classification Criteria 13 December 2019. Collection method: clinical testing. Allele origin: germline. Not counted in ClinVar's aggregate classification.

Literature cited by the submitters: PubMed 18722466 (cited by Labcorp Genetics (formerly Invitae), Labcorp and Illumina Laboratory Services, Illumina); PubMed 32483926 (cited by Labcorp Genetics (formerly Invitae), Labcorp).